The following is an entry in ClinVar:

NM_018706.7(DHTKD1):c.967dup (p.Asp323fs)

Gene: DHTKD1 (dehydrogenase E1 and transketolase domain containing 1; plus strand). Cytogenetic location: 10p14.
Variant type: Duplication.
Coding change: c.967dup on transcript NM_018706.7 (MANE Select); coding-DNA position 967, one base duplicated (G; older notation c.967dupG).
Protein change: p.Asp323fs; shifts the reading frame from aspartic acid 323.
Molecular consequence: frameshift variant.
Genome position (GRCh38, 1-based): chr10:12,089,235, G duplicated; the last of 5 consecutive G bases (chr10:12,089,231-12,089,235); duplicating any one gives the same sequence. VCF-style (leftmost placement, unchanged base first): chr10-12089230-C-CG. GRCh37 (hg19) VCF-style: chr10-12131229-C-CG.
Other names: short protein forms D323fs.
Identifiers: ClinVar variation 2726845 (VCV002726845.3), dbSNP rs2491477380, ClinGen allele CA2697558274.

ClinVar aggregate classification (germline): Pathogenic (1 of 4 stars; one submission).

Conditions:
2-aminoadipic 2-oxoadipic aciduria (AAKAD). Also called: ALPHA-AMINOADIPIC AND ALPHA-KETOADIPIC ACIDURIA; Aminoadipic aciduria. Identifiers: Orphanet 79154, MedGen C1859817, MONDO:0008774, OMIM 204750.

Submission:

Labcorp Genetics (formerly Invitae), Labcorp
Classification: Pathogenic for 2-aminoadipic 2-oxoadipic aciduria. Last evaluated: 2023-06-30. Review status: criteria provided, single submitter. Criteria: Invitae Variant Classification Sherloc (09022015). Collection method: clinical testing. Allele origin: germline.
Comment: For these reasons, this variant has been classified as Pathogenic. This variant has not been reported in the literature in individuals affected with DHTKD1-related conditions. This variant is not present in population databases (gnomAD no frequency). This sequence change creates a premature translational stop signal (p.Asp323Glyfs*11) in the DHTKD1 gene. It is expected to result in an absent or disrupted protein product. Loss-of-function variants in DHTKD1 are known to be pathogenic (PMID: 23141293, 25860818).

Literature cited by the submitters: PubMed 23141293; PubMed 25860818.